The following is an entry in ClinVar:

NM_020706.2(SCAF4):c.2185T>G (p.Phe729Val)

Gene: SCAF4 (SR-related CTD associated factor 4; minus strand). Cytogenetic location: 21q22.11.
Variant type: single nucleotide variant.
Coding change: c.2185T>G on transcript NM_020706.2 (MANE Select); coding-DNA position 2185, T replaced by G.
Protein change: p.Phe729Val; replaces phenylalanine 729 with valine.
Molecular consequence: missense variant.
Genome position (GRCh38, 1-based): chr21:31,685,592, A>C on the plus strand (T>G on the coding strand, the complement: SCAF4 is on the minus strand). VCF-style: chr21-31685592-A-C. GRCh37 (hg19) VCF-style: chr21-33057905-A-C.
Other names: c.2140T>G, p.Phe714Val (NM_001145444.1); c.2185T>G, p.Phe729Val (NM_001145445.1); short protein forms F714V, F729V.
Identifiers: ClinVar variation 5009290 (VCV005009290.1).

ClinVar aggregate classification (germline): Uncertain significance (1 of 4 stars; one submission).

Submission:

GeneDx
Classification: Uncertain significance. Last evaluated: 2026-03-18. Review status: criteria provided, single submitter. Criteria: GeneDx Variant Classification Process June 2021. Collection method: clinical testing. Allele origin: germline.
Comment: Not observed at significant frequency in large population cohorts (gnomAD); In silico analysis supports that this missense variant has a deleterious effect on protein structure/function; Has not been previously published as pathogenic or benign to our knowledge